The following is an entry in ClinVar:

NM_004863.4(SPTLC2):c.116_127del (p.Ala39_Ala42del)

Gene: SPTLC2 (serine palmitoyltransferase long chain base subunit 2; minus strand). Cytogenetic location: 14q24.3.
Variant type: Deletion.
Coding change: c.116_127del on transcript NM_004863.4 (MANE Select); coding-DNA positions 116 to 127, 12 bases deleted (CAGCCGCCGCCG).
Protein change: p.Ala39_Ala42del.
Molecular consequence: inframe deletion.
Genome position (GRCh38, 1-based): chr14:77,616,453-77,616,464, CGGCGGCGGCTG deleted on the plus strand (CAGCCGCCGCCG on the coding strand, the reverse complement: SPTLC2 is on the minus strand); deleting any 12 consecutive bases within chr14:77,616,453-77,616,468 gives the same sequence; the c. name uses the placement nearest the transcript's 3' end. VCF-style (leftmost placement, unchanged base first): chr14-77616452-CCGGCGGCGGCTG-C. GRCh37 (hg19) VCF-style: chr14-78082795-CCGGCGGCGGCTG-C.
Identifiers: ClinVar variation 854518 (VCV000854518.9), dbSNP rs759802248, ClinGen allele CA7289517.
Genomic context (GRCh38, chr14:77,616,452, plus strand): 5'-CGCCCCTCCGCCAGTCCACACCGCCACCCCGGCCCCGCCGCGCGGGCCCCTCGTACCTGG[CCGGCGGCGGCTG>C]CGGCTGCGGCTGCAGCGCTGCTCCTCACGTACCCGTTCCGTACTTCCCCGTTCGCCACGC-3'

ClinVar aggregate classification (germline): Uncertain significance (1 of 4 stars; one submission).

Conditions:
Neuropathy, hereditary sensory and autonomic, type 1C. Also called: HSAN IC; HSN IC. Identifiers: Orphanet 36386, MedGen C3150896, MONDO:0013337, OMIM 613640.

Submission:

Labcorp Genetics (formerly Invitae), Labcorp
Classification: Uncertain significance for Neuropathy, hereditary sensory and autonomic, type 1C. Last evaluated: 2022-01-03. Review status: criteria provided, single submitter. Criteria: Invitae Variant Classification Sherloc (09022015). Collection method: clinical testing. Allele origin: germline.
Comment: ClinVar contains an entry for this variant (Variation ID: 854518). This variant has not been reported in the literature in individuals affected with SPTLC2-related conditions. This variant is present in population databases (rs759802248, gnomAD 0.07%). This variant, c.116_127del, results in the deletion of 4 amino acid(s) of the SPTLC2 protein (p.Ala39_Ala42del), but otherwise preserves the integrity of the reading frame. Experimental studies and prediction algorithms are not available or were not evaluated, and the functional significance of this variant is currently unknown. In summary, the available evidence is currently insufficient to determine the role of this variant in disease. Therefore, it has been classified as a Variant of Uncertain Significance.